The following is an entry in ClinVar:

NM_005499.3(UBA2):c.558C>T (p.Ile186=)

Gene: UBA2 (ubiquitin like modifier activating enzyme 2; plus strand). Cytogenetic location: 19q13.11.
Variant type: single nucleotide variant.
Coding change: c.558C>T on transcript NM_005499.3 (MANE Select); coding-DNA position 558, C replaced by T.
Protein change: p.Ile186=; no amino-acid change (isoleucine 186 retained).
Molecular consequence: synonymous variant.
Genome position (GRCh38, 1-based): chr19:34,438,743, C>T. VCF-style: chr19-34438743-C-T. GRCh37 (hg19) VCF-style: chr19-34929648-C-T.
Other names: c.270C>T, p.Ile90= (NM_001411139.1).
Identifiers: ClinVar variation 5038674 (VCV005038674.1).

ClinVar aggregate classification (germline): Likely benign (1 of 4 stars; one submission).

gnomAD v4.1: 2,061 of 1,613,882 alleles (0.13%); highest among the groups gnomAD compares: Non-Finnish European, 0.17%; 5 homozygotes.

Submission:

CeGaT Center for Human Genetics Tuebingen
Classification: Likely benign. Last evaluated: 2026-07-01. Review status: criteria provided, single submitter. Criteria: CeGaT Center For Human Genetics Tuebingen Variant Classification Criteria Version 2. Collection method: clinical testing. Allele origin: germline. Affected: yes. Observed: 1 variant allele.
Comment: UBA2: BS1